The following is an entry in ClinVar:

NM_002354.3(EPCAM):c.136T>A (p.Cys46Ser)

Gene: EPCAM (epithelial cell adhesion molecule; plus strand). Cytogenetic location: 2p21.
Variant type: single nucleotide variant.
Coding change: c.136T>A on transcript NM_002354.3 (MANE Select); coding-DNA position 136, T replaced by A.
Protein change: p.Cys46Ser; replaces cysteine 46 with serine.
Molecular consequence: missense variant.
Genome position (GRCh38, 1-based): chr2:47,373,522, T>A. VCF-style: chr2-47373522-T-A. GRCh37 (hg19) VCF-style: chr2-47600661-T-A.
Other names: short protein forms C46S.
Identifiers: ClinVar variation 2566626 (VCV002566626.2), dbSNP rs2103745754, ClinGen allele CA346722538.

ClinVar aggregate classification (germline): Uncertain significance (1 of 4 stars; one submission).

Conditions:
Hereditary cancer-predisposing syndrome. Also called: Hereditary neoplastic syndrome; Hereditary Cancer Syndrome; Neoplastic Syndromes, Hereditary; Tumor predisposition. Identifiers: Orphanet 140162, MedGen C0027672, MeSH D009386, MONDO:0015356.

Submission:

Ambry Genetics
Classification: Uncertain significance for Hereditary cancer-predisposing syndrome. Last evaluated: 2023-03-31. Review status: criteria provided, single submitter. Criteria: Ambry Variant Classification Scheme 2023. Collection method: clinical testing. Allele origin: germline.
Comment: The p.C46S variant (also known as c.136T>A), located in coding exon 2 of the EPCAM gene, results from a T to A substitution at nucleotide position 136. The cysteine at codon 46 is replaced by serine, an amino acid with dissimilar properties. This amino acid position is conserved. In addition, this alteration is predicted to be deleterious by in silico analysis. Since supporting evidence is limited at this time, the clinical significance of this alteration remains unclear.